The following is an entry in ClinVar:

NM_000142.5(FGFR3):c.1106C>T (p.Ala369Val)

Gene: FGFR3 (fibroblast growth factor receptor 3; plus strand). Cytogenetic location: 4p16.3.
Variant type: single nucleotide variant.
Coding change: c.1106C>T on transcript NM_000142.5 (MANE Select); coding-DNA position 1106, C replaced by T.
Protein change: p.Ala369Val; replaces alanine 369 with valine.
Molecular consequence: missense variant. On other transcripts: non-coding transcript variant (1), intron variant (1).
Genome position (GRCh38, 1-based): chr4:1,804,360, C>T. VCF-style: chr4-1804360-C-T. GRCh37 (hg19) VCF-style: chr4-1806087-C-T.
Other names: c.1112C>T, p.Ala371Val (NM_001163213.2); c.1106C>T, p.Ala369Val (NM_001354809.2, NM_001354810.2); c.931-464C>T (NM_022965.4); short protein forms A369V, A371V.
Identifiers: ClinVar variation 944807 (VCV000944807.12), dbSNP rs146970233, ClinGen allele CA2810263.
Genomic context (GRCh38, chr4:1,804,360, plus strand): 5'-GGCCAGGCCTCAACGCCCATGTCTTTGCAGCCGAGGAGGAGCTGGTGGAGGCTGACGAGG[C>T]GGGCAGTGTGTATGCAGGCATCCTCAGCTACGGGGTGGGCTTCTTCCTGTTCATCCTGGT-3'
Protein context (NP_000133.1, residues 359-379): AEEELVEADE[Ala369Val]GSVYAGILSY

ClinVar aggregate classification (germline): Conflicting classifications of pathogenicity. Review status: criteria provided, conflicting classifications (1 of 4 stars). 3 submissions from 3 submitters: Uncertain significance (2); Likely benign (1). Last evaluated 2026-06-23.

Conditions:
FGFR3-related chondrodysplasia. Identifiers: Orphanet 93420, MedGen C5681604, MONDO:0019685.

Allele frequency attached by ClinVar (database versions not stated): gnomAD 0.00001; ESP Exome Variant Server 0.00008; gnomAD exomes 0.00003; ExAC 0.00005.
gnomAD v4.1: 31 of 1,611,404 alleles (0.0019%); highest among the groups gnomAD compares: African/African-American, 0.0027%; no homozygotes.

Submissions (3):

Genomenon, Inc
Classification: Uncertain significance for FGFR3-related chondrodysplasia. Last evaluated: 2026-06-23. Review status: criteria provided, single submitter. Criteria: Genomenon Sequence Variant Interpretation Standards - Updated. Collection method: curation. Allele origin: germline. Affected: no.
Comment: FGFR3 p.Ala369Val (c.1106C>T) is a missense variant that changes the amino acid at codon 369 from Alanine to Valine. This variant has been reported in the published literature (PMID:39169360). It is absent or not present at a significant frequency in gnomAD. In silico models predict that this variant is not damaging. In conclusion, we classify FGFR3 p.Ala369Val (c.1106C>T) as a variant of uncertain significance.

GeneDx
Classification: Likely benign. Last evaluated: 2024-03-01. Review status: criteria provided, single submitter. Criteria: GeneDx Variant Classification Process June 2021. Collection method: clinical testing. Allele origin: germline. Affected: yes.
Comment: See Variant Classification Assertion Criteria.

Labcorp Genetics (formerly Invitae), Labcorp
Classification: Uncertain significance. Last evaluated: 2019-07-28. Review status: criteria provided, single submitter. Criteria: Invitae Variant Classification Sherloc (09022015). Collection method: clinical testing. Allele origin: germline.
Comment: In summary, the available evidence is currently insufficient to determine the role of this variant in disease. Therefore, it has been classified as a Variant of Uncertain Significance. Algorithms developed to predict the effect of sequence changes on RNA splicing suggest that this variant may create or strengthen a splice site, but this prediction has not been confirmed by published transcriptional studies. Algorithms developed to predict the effect of missense changes on protein structure and function (SIFT, PolyPhen-2, Align-GVGD) all suggest that this variant is likely to be tolerated, but these predictions have not been confirmed by published functional studies and their clinical significance is uncertain. This variant has not been reported in the literature in individuals with FGFR3-related conditions. This variant is present in population databases (rs146970233, ExAC 0.01%). This sequence change replaces alanine with valine at codon 369 of the FGFR3 protein (p.Ala369Val). The alanine residue is weakly conserved and there is a small physicochemical difference between alanine and valine.

Literature cited by the submitters: PubMed 39169360 (cited by Genomenon, Inc).